The following is an entry in ClinVar:

NM_001271.4(CHD2):c.938del (p.Gly313fs)

Gene: CHD2 (chromodomain helicase DNA binding protein 2; plus strand). Cytogenetic location: 15q26.1.
Variant type: Deletion.
Coding change: c.938del on transcript NM_001271.4 (MANE Select); coding-DNA position 938, one base deleted (G; older notation c.938delG).
Protein change: p.Gly313fs; shifts the reading frame from glycine 313.
Molecular consequence: frameshift variant.
Genome position (GRCh38, 1-based): chr15:92,942,954, G deleted; the last of 3 consecutive G bases (chr15:92,942,952-92,942,954); deleting any one gives the same sequence. VCF-style (leftmost placement, unchanged base first): chr15-92942951-AG-A. GRCh37 (hg19) VCF-style: chr15-93486181-AG-A.
Other names: c.938del, p.Gly313fs (NM_001042572.3); short protein forms G313fs.
Identifiers: ClinVar variation 3663799 (VCV003663799.2).

ClinVar aggregate classification (germline): Pathogenic (1 of 4 stars; one submission).

Conditions:
Developmental and epileptic encephalopathy 94 (DEE94). Also called: CHD2-Related Neurodevelopmental Disorders; Epileptic encephalopathy, childhood-onset. Identifiers: Orphanet 1942, Orphanet 2382, MedGen C3809278, MONDO:0014150, OMIM 615369.

Submission:

Labcorp Genetics (formerly Invitae), Labcorp
Classification: Pathogenic for Developmental and epileptic encephalopathy 94. Last evaluated: 2025-01-02. Review status: criteria provided, single submitter. Criteria: Invitae Variant Classification Sherloc (09022015). Collection method: clinical testing. Allele origin: germline.
Comment: This sequence change creates a premature translational stop signal (p.Gly313Valfs*20) in the CHD2 gene. It is expected to result in an absent or disrupted protein product. Loss-of-function variants in CHD2 are known to be pathogenic (PMID: 23708187, 24207121). This variant is not present in population databases (gnomAD no frequency). This variant has not been reported in the literature in individuals affected with CHD2-related conditions. Algorithms developed to predict the effect of sequence changes on RNA splicing suggest that this variant may disrupt the consensus splice site. For these reasons, this variant has been classified as Pathogenic.

Literature cited by the submitters: PubMed 23708187; PubMed 24207121.